The following is an entry in ClinVar:

ClinVar aggregate classification (germline): Likely benign. Review status: criteria provided, multiple submitters, no conflicts (2 of 4 stars). 2 submissions from 2 submitters: Likely benign (2). Last evaluated 2026-09-04.

Conditions:
ARL13B-related disorder. Also called: ARL13B-related condition.
Joubert syndrome 8 (JBTS8). Identifiers: Orphanet 475, MedGen C2676771, MONDO:0012855, OMIM 612291.

Allele frequency attached by ClinVar (database versions not stated): gnomAD 0.00001; gnomAD exomes 0.00002; TOPMed 0.00002; ExAC 0.00005.
gnomAD v4.1: 11 of 1,384,520 alleles (0.00079%); highest among the groups gnomAD compares: Admixed American, 0.0022%; no homozygotes.

Submissions (2):

PreventionGenetics, part of Exact Sciences
Classification: Likely benign for ARL13B-related condition. Last evaluated: 2026-09-04. Review status: criteria provided, single submitter. Criteria: ACMG Guidelines, 2015. Collection method: clinical testing. Allele origin: germline.
Comment: This variant is classified as likely benign based on ACMG/AMP sequence variant interpretation guidelines (Richards et al. 2015 PMID: 25741868, with internal and published modifications).

Labcorp Genetics (formerly Invitae), Labcorp
Classification: Likely benign for Joubert syndrome 8. Last evaluated: 2024-04-07. Review status: criteria provided, single submitter. Criteria: Invitae Variant Classification Sherloc (09022015). Collection method: clinical testing. Allele origin: germline.

NM_001174150.2(ARL13B):c.486+8T>G

Gene: ARL13B (ARF like GTPase 13B; plus strand). Cytogenetic location: 3q11.2.
Variant type: single nucleotide variant.
Coding change: c.486+8T>G on transcript NM_001174150.2 (MANE Select); 8 bases into the intron after coding-DNA position 486, T replaced by G.
Molecular consequence: intron variant.
Genome position (GRCh38, 1-based): chr3:94,035,444, T>G. VCF-style: chr3-94035444-T-G. GRCh37 (hg19) VCF-style: chr3-93754288-T-G.
Other names: c.441+8T>G (NM_001321328.2); c.486+8T>G (NM_182896.3, NM_182896.2); c.177+8T>G (NM_001174151.2); c.165+8T>G (NM_144996.4).
Identifiers: ClinVar variation 1095981 (VCV001095981.8), dbSNP rs750515411, ClinGen allele CA2504053.